The following is an entry in ClinVar:

NM_006035.4(CDC42BPB):c.444C>G (p.His148Gln)

Gene: CDC42BPB (CDC42 binding protein kinase beta; minus strand). Cytogenetic location: 14q32.32.
Variant type: single nucleotide variant.
Coding change: c.444C>G on transcript NM_006035.4 (MANE Select); coding-DNA position 444, C replaced by G.
Protein change: p.His148Gln; replaces histidine 148 with glutamine.
Molecular consequence: missense variant.
Genome position (GRCh38, 1-based): chr14:103,003,931, G>C on the plus strand (C>G on the coding strand, the complement: CDC42BPB is on the minus strand). VCF-style: chr14-103003931-G-C. GRCh37 (hg19) VCF-style: chr14-103470268-G-C.
Other names: c.444C>G, p.His148Gln (NM_001411054.1); short protein forms H148Q.
Identifiers: ClinVar variation 2524208 (VCV002524208.2), dbSNP rs1895111739, ClinGen allele CA391072428.

ClinVar aggregate classification (germline): Uncertain significance (1 of 4 stars; one submission).

Conditions:
Inborn genetic diseases. Identifiers: MedGen C0950123, MeSH D030342.

gnomAD v4.1: 1 of 1,607,948 alleles (0.000062%); highest among the groups gnomAD compares: Non-Finnish European, 0.000085%; no homozygotes.

Submission:

Ambry Genetics
Classification: Uncertain significance for Inborn genetic diseases. Last evaluated: 2023-05-05. Review status: criteria provided, single submitter. Criteria: Ambry Variant Classification Scheme 2023. Collection method: clinical testing. Allele origin: germline.
Comment: The c.444C>G (p.H148Q) alteration is located in exon 4 (coding exon 4) of the CDC42BPB gene. This alteration results from a C to G substitution at nucleotide position 444, causing the histidine (H) at amino acid position 148 to be replaced by a glutamine (Q). This variant was not reported in population-based cohorts in the Genome Aggregation Database (gnomAD). This amino acid position is poorly conserved in available vertebrate species. This missense alteration is located in a region that has a low rate of benign missense variation (Lek, 2016; Firth, 2009). This alteration is predicted to be tolerated by in silico analysis. Based on insufficient or conflicting evidence, the clinical significance of this alteration remains unclear.